The following is an entry in ClinVar:

ClinVar aggregate classification (germline): Uncertain significance (1 of 4 stars; one submission).

Conditions:
Cataract 15 multiple types. Also called: CATARACT 15, LAMELLAR WITH SUTURAL OPACITIES. Identifiers: Orphanet 91492, MedGen C3809001, MONDO:0014110, OMIM 615274.

Submission:

Labcorp Genetics (formerly Invitae), Labcorp
Classification: Uncertain significance for Cataract 15 multiple types. Last evaluated: 2024-04-17. Review status: criteria provided, single submitter. Criteria: Invitae Variant Classification Sherloc (09022015). Collection method: clinical testing. Allele origin: germline.
Comment: This sequence change replaces alanine, which is neutral and non-polar, with valine, which is neutral and non-polar, at codon 190 of the MIP protein (p.Ala190Val). This variant is not present in population databases (gnomAD no frequency). This variant has not been reported in the literature in individuals affected with MIP-related conditions. Advanced modeling of protein sequence and biophysical properties (such as structural, functional, and spatial information, amino acid conservation, physicochemical variation, residue mobility, and thermodynamic stability) performed at Invitae indicates that this missense variant is not expected to disrupt MIP protein function with a negative predictive value of 80%. In summary, the available evidence is currently insufficient to determine the role of this variant in disease. Therefore, it has been classified as a Variant of Uncertain Significance.

NM_012064.4(MIP):c.569C>T (p.Ala190Val)

Gene: MIP (major intrinsic protein of lens fiber; minus strand). Cytogenetic location: 12q13.3.
Variant type: single nucleotide variant.
Coding change: c.569C>T on transcript NM_012064.4 (MANE Select); coding-DNA position 569, C replaced by T.
Protein change: p.Ala190Val; replaces alanine 190 with valine.
Molecular consequence: missense variant.
Genome position (GRCh38, 1-based): chr12:56,453,109, G>A on the plus strand (C>T on the coding strand, the complement: MIP is on the minus strand). VCF-style: chr12-56453109-G-A. GRCh37 (hg19) VCF-style: chr12-56846893-G-A.
Other names: short protein forms A190V.
Identifiers: ClinVar variation 3642157 (VCV003642157.2).